The following is an entry in ClinVar:

NM_003000.3(SDHB):c.1_72del

Genes: SDHB (succinate dehydrogenase complex iron sulfur subunit B; minus strand), LOC129929542 (ATAC-STARR-seq lymphoblastoid active region 277; plus strand). Cytogenetic location: 1p36.13.
Variant type: Deletion.
Coding change: c.1_72del on transcript NM_003000.3 (MANE Select); coding-DNA positions 1 to 72, 72 bases deleted.
Genome position (GRCh38, 1-based): chr1:17,053,948-17,054,019, 72 bases deleted. GRCh37 (hg19): chr1:17,380,445-17,380,516.
Other names: c.1_72del, p.Met1_Gln24del (LRG_316t1).
Identifiers: ClinVar variation 438410 (VCV000438410.3), dbSNP rs1553179313, ClinGen allele CA645509074.

ClinVar aggregate classification (germline): Pathogenic. Review status: criteria provided, single submitter (1 of 4 stars). 2 submissions from 2 submitters: Pathogenic (1). 1 of the submissions does not count toward it. Last evaluated 2025-01-24.

Conditions:
Hereditary pheochromocytoma and paraganglioma. Also called: Hereditary Paraganglioma-Pheochromocytoma Syndromes; Hereditary paragangliomas and pheochromocytomas; Hereditary pheochromocytoma-paraganglioma. Identifiers: Orphanet 29072, MedGen C4274332, MONDO:0017366.

Submissions (2):

Department of Clinical Genetics, Copenhagen University Hospital, Rigshospitalet
Classification: Pathogenic for Hereditary pheochromocytoma and paraganglioma. Last evaluated: 2025-01-24. Review status: criteria provided, single submitter. Criteria: ACMG Guidelines, 2015. Collection method: clinical testing. Allele origin: germline.
Comment: The following ACMG criteria have been used in classification: PM2_SUP; PVS1; PS4_SUP

Section on Medical Neuroendocrinolgy, National Institutes of Health
Classification: Pathogenic for Hereditary pheochromocytoma and paraganglioma. Review status: no assertion criteria provided. Collection method: research. Allele origin: germline. Affected: yes. Not counted in ClinVar's aggregate classification.

Literature cited by the submitters: PubMed 27279923 (cited by Department of Clinical Genetics, Copenhagen University Hospital, Rigshospitalet); PubMed 15531530 (cited by Department of Clinical Genetics, Copenhagen University Hospital, Rigshospitalet); PubMed 16258955 (cited by Department of Clinical Genetics, Copenhagen University Hospital, Rigshospitalet).